The following is an entry in ClinVar:

ClinVar aggregate classification (germline): Uncertain significance. Review status: criteria provided, single submitter (1 of 4 stars). 2 submissions from 2 submitters: Uncertain significance (1). 1 of the submissions does not count toward it. Last evaluated 2025-09-26.

Conditions:
Atypical hemolytic-uremic syndrome. Identifiers: Orphanet 2134, MedGen C2931788, MONDO:0016244.

Allele frequency attached by ClinVar (database versions not stated): gnomAD exomes below 0.00001.
gnomAD v4.1: 4 of 1,614,212 alleles (0.00025%); highest among the groups gnomAD compares: East Asian, 0.0022%; no homozygotes.

Submissions (2):

Genomenon, Inc
Classification: Uncertain significance for Atypical hemolytic-uremic syndrome. Last evaluated: 2025-09-26. Review status: criteria provided, single submitter. Criteria: Genomenon Sequence Variant Interpretation Standards - Updated. Collection method: curation. Allele origin: germline. Affected: yes.
Comment: CFI p.Thr98Ala (c.292A>G) is a missense variant that changes the amino acid at residue 98 from Threonine to Alanine. This variant has been observed in at least one proband affected with atypical hemolytic-uremic syndrome (PMID:31360562). It is absent or not present at a significant frequency in gnomAD. In silico models agree that this variant is not damaging. In conclusion, we classify CFI p.Thr98Ala (c.292A>G) as a variant of unknown significance.

Sydney Genome Diagnostics, Children's Hospital Westmead
Classification: Uncertain significance for Atypical hemolytic-uremic syndrome. Last evaluated: 2018-08-22. Review status: no assertion criteria provided. Collection method: clinical testing. Allele origin: unknown. Affected: yes. Observed: 1 variant allele, 1 heterozygote. Not counted in ClinVar's aggregate classification.
Comment: To our knowledge, this variant has not been previously reported in the literature or any disease specific databases to be a disease causing variant. This variant has been reported in the gnomAD browser with a very low allele frequency of 0.0004% (1 out of 245,918 alleles). In silico analysis of pathogenicity (through Alamut Visual v2.8.1) using PolyPhen2, SIFT and MutationTaster suggest that this variant does not affect protein function and is likely to be benign. However, this analysis alone cannot be used to exclude pathogenicity. This variant is considered to be a variant of uncertain clinical significance (VOUS) according to the ACMG guidelines.

Literature cited by the submitters: PubMed 31360562 (cited by Genomenon, Inc).

NM_000204.5(CFI):c.292A>G (p.Thr98Ala)

Gene: CFI (complement factor I; minus strand). Cytogenetic location: 4q25.
Variant type: single nucleotide variant.
Coding change: c.292A>G on transcript NM_000204.5 (MANE Select); coding-DNA position 292, A replaced by G.
Protein change: p.Thr98Ala; replaces threonine 98 with alanine.
Molecular consequence: missense variant. On other transcripts: non-coding transcript variant (3), intron variant (1).
Genome position (GRCh38, 1-based): chr4:109,766,590, T>C on the plus strand (A>G on the coding strand, the complement: CFI is on the minus strand). VCF-style: chr4-109766590-T-C. GRCh37 (hg19) VCF-style: chr4-110687746-T-C.
Other names: c.292A>G, p.Thr98Ala (NM_001318057.2, NM_001331035.2, NM_001375278.1 and 5 more transcripts); c.-127-4898A>G (NM_001375284.1); short protein forms T98A.
Identifiers: ClinVar variation 988225 (VCV000988225.2), dbSNP rs1478686846, ClinGen allele CA357865066.